The following is an entry in ClinVar:

ClinVar aggregate classification (germline): Uncertain significance (1 of 4 stars; one submission).

Allele frequency attached by ClinVar (database versions not stated): gnomAD exomes below 0.00001.
gnomAD v4.1: 2 of 1,613,746 alleles (0.00012%); highest among the groups gnomAD compares: South Asian, 0.0022%; no homozygotes.

Submission:

Labcorp Genetics (formerly Invitae), Labcorp
Classification: Uncertain significance. Last evaluated: 2022-03-11. Review status: criteria provided, single submitter. Criteria: Invitae Variant Classification Sherloc (09022015). Collection method: clinical testing. Allele origin: germline.
Comment: This sequence change replaces glutamic acid, which is acidic and polar, with glutamine, which is neutral and polar, at codon 289 of the FZD4 protein (p.Glu289Gln). This variant is not present in population databases (gnomAD no frequency). This variant has not been reported in the literature in individuals affected with FZD4-related conditions. Algorithms developed to predict the effect of missense changes on protein structure and function (SIFT, PolyPhen-2, Align-GVGD) all suggest that this variant is likely to be tolerated. In summary, the available evidence is currently insufficient to determine the role of this variant in disease. Therefore, it has been classified as a Variant of Uncertain Significance.

NM_012193.4(FZD4):c.865G>C (p.Glu289Gln)

Genes: FZD4 (frizzled class receptor 4; minus strand), PRSS23 (serine protease 23; plus strand). Cytogenetic location: 11q14.2.
Variant type: single nucleotide variant.
Coding change: c.865G>C on transcript NM_012193.4 (MANE Select); coding-DNA position 865, G replaced by C.
Protein change: p.Glu289Gln; replaces glutamic acid 289 with glutamine.
Molecular consequence: missense variant. On other transcripts: non-coding transcript variant (2).
Genome position (GRCh38, 1-based): chr11:86,951,891, C>G on the plus strand (G>C on the coding strand, the complement: FZD4 is on the minus strand). VCF-style: chr11-86951891-C-G. GRCh37 (hg19) VCF-style: chr11-86662933-C-G.
Other names: short protein forms E289Q.
Identifiers: ClinVar variation 2108764 (VCV002108764.4), dbSNP rs1949295613, ClinGen allele CA382013986.